The following is an entry in ClinVar:

NM_001330677.2(TBX15):c.440G>A (p.Arg147Lys)

Gene: TBX15 (T-box transcription factor 15; minus strand). Cytogenetic location: 1p12.
Variant type: single nucleotide variant.
Coding change: c.440G>A on transcript NM_001330677.2 (MANE Select); coding-DNA position 440, G replaced by A.
Protein change: p.Arg147Lys; replaces arginine 147 with lysine.
Molecular consequence: missense variant.
Genome position (GRCh38, 1-based): chr1:118,926,591, C>T on the plus strand (G>A on the coding strand, the complement: TBX15 is on the minus strand). VCF-style: chr1-118926591-C-T. GRCh37 (hg19) VCF-style: chr1-119469214-C-T.
Other names: c.122G>A, p.Arg41Lys (NM_152380.3); short protein forms R147K, R41K.
Identifiers: ClinVar variation 1494974 (VCV001494974.4), dbSNP rs1195713088, ClinGen allele CA341435398.

ClinVar aggregate classification (germline): Uncertain significance (1 of 4 stars; one submission).

Allele frequency attached by ClinVar (database versions not stated): gnomAD exomes 0.00002 and 0.00009; TOPMed 0.00020; gnomAD 0.00028 and 0.00029.
gnomAD v4.1: 67 of 1,613,694 alleles (0.0042%); highest among the groups gnomAD compares: Admixed American, 0.11%; no homozygotes.

Submission:

Labcorp Genetics (formerly Invitae), Labcorp
Classification: Uncertain significance. Last evaluated: 2021-11-13. Review status: criteria provided, single submitter. Criteria: Invitae Variant Classification Sherloc (09022015). Collection method: clinical testing. Allele origin: germline.
Comment: In summary, the available evidence is currently insufficient to determine the role of this variant in disease. Therefore, it has been classified as a Variant of Uncertain Significance. Algorithms developed to predict the effect of missense changes on protein structure and function (SIFT, PolyPhen-2, Align-GVGD) all suggest that this variant is likely to be tolerated. This variant has not been reported in the literature in individuals affected with TBX15-related conditions. This variant is present in population databases (no rsID available, gnomAD 0.06%). This sequence change replaces arginine, which is basic and polar, with lysine, which is basic and polar, at codon 41 of the TBX15 protein (p.Arg41Lys).